The following is an entry in ClinVar:

ClinVar aggregate classification (germline): Uncertain significance (1 of 4 stars; one submission).

Conditions:
GTP cyclohydrolase I deficiency. Identifiers: MedGen C0268467, MONDO:0100184.
Dystonia 5 (DRD). Also called: DYSTONIA, PROGRESSIVE, WITH DIURNAL VARIATION; DYSTONIA-PARKINSONISM WITH DIURNAL FLUCTUATION; Dystonia, DOPA-responsive, with or without hyperphenylalaninemia; GTP Cyclohydrolase 1-Deficient Dopa-Responsive Dystonia; DYT-GCH1. Identifiers: Orphanet 98808, MedGen C1851920, MONDO:0007495, OMIM 128230.

gnomAD v4.1: 7 of 1,553,918 alleles (0.00045%); highest among the groups gnomAD compares: East Asian, 0.016%; no homozygotes.

Submission:

Labcorp Genetics (formerly Invitae), Labcorp
Classification: Uncertain significance for GTP cyclohydrolase I deficiency; Dystonia 5. Last evaluated: 2024-12-08. Review status: criteria provided, single submitter. Criteria: Invitae Variant Classification Sherloc (09022015). Collection method: clinical testing. Allele origin: germline.
Comment: This sequence change falls in intron 4 of the GCH1 gene. It does not directly change the encoded amino acid sequence of the GCH1 protein. This variant is not present in population databases (gnomAD no frequency). This variant has not been reported in the literature in individuals affected with GCH1-related conditions. Algorithms developed to predict the effect of sequence changes on RNA splicing suggest that this variant may disrupt the consensus splice site. In summary, the available evidence is currently insufficient to determine the role of this variant in disease. Therefore, it has been classified as a Variant of Uncertain Significance.

NM_000161.3(GCH1):c.542-5C>G

Gene: GCH1 (GTP cyclohydrolase 1; minus strand). Cytogenetic location: 14q22.2.
Variant type: single nucleotide variant.
Coding change: c.542-5C>G on transcript NM_000161.3 (MANE Select); 5 bases into the intron before coding-DNA position 542, C replaced by G.
Molecular consequence: intron variant.
Genome position (GRCh38, 1-based): chr14:54,845,857, G>C on the plus strand (C>G on the coding strand, the complement: GCH1 is on the minus strand). VCF-style: chr14-54845857-G-C. GRCh37 (hg19) VCF-style: chr14-55312575-G-C.
Other names: c.510-2803C>G (NM_001424104.1); c.542-5C>G (NM_001024071.2, NM_001024070.2, NM_001024024.2); c.248-5C>G (NM_001424105.1).
Identifiers: ClinVar variation 3761941 (VCV003761941.2).
Genomic context (GRCh38, chr14:54,845,857, plus strand): 5'-AGGCCGCAAGGCTTCCGTGATTGCTACAGCAATTTGTTTTGTAAGGCGCTCCTGAACTGT[G>C]GATGTGATAAGGAGCTCAGTTTGAGAGTCTGACACAAACAGCTGGAAGCTTTTTCTGTCT-3'